The following is an entry in ClinVar:

ClinVar aggregate classification (germline): Likely benign (1 of 4 stars; one submission).

Allele frequency attached by ClinVar (database versions not stated): 1000 Genomes Project 30x 0.00062; ESP Exome Variant Server 0.00062; TOPMed 0.00072; 1000 Genomes Project 0.00080; gnomAD exomes 0.00131; ExAC 0.00172; gnomAD 0.00176.
gnomAD v4.1: 2,164 of 1,614,102 alleles (0.13%); highest among the groups gnomAD compares: Non-Finnish European, 0.12%; 12 homozygotes.

Submission:

CeGaT Center for Human Genetics Tuebingen
Classification: Likely benign. Last evaluated: 2023-04-01. Review status: criteria provided, single submitter. Criteria: CeGaT Center For Human Genetics Tuebingen Variant Classification Criteria Version 2. Collection method: clinical testing. Allele origin: germline. Affected: yes. Observed: 1 variant allele.
Comment: OLFM3: BP4, BP7

NM_058170.4(OLFM3):c.141C>T (p.Cys47=)

Gene: OLFM3 (olfactomedin 3; minus strand). Cytogenetic location: 1p21.1.
Variant type: single nucleotide variant.
Coding change: c.141C>T on transcript NM_058170.4 (MANE Select); coding-DNA position 141, C replaced by T.
Protein change: p.Cys47=; no amino-acid change (cysteine 47 retained).
Molecular consequence: synonymous variant. On other transcripts: 5 prime UTR variant (1), non-coding transcript variant (3).
Genome position (GRCh38, 1-based): chr1:101,836,954, G>A on the plus strand (C>T on the coding strand, the complement: OLFM3 is on the minus strand). VCF-style: chr1-101836954-G-A. GRCh37 (hg19) VCF-style: chr1-102302510-G-A.
Other names: c.201C>T, p.Cys67= (NM_001288821.2); c.-85C>T (NM_001288823.2).
Identifiers: ClinVar variation 2638944 (VCV002638944.24), dbSNP rs11555850, ClinGen allele CA973125.